The following is an entry in ClinVar:

ClinVar aggregate classification (germline): Uncertain significance. Review status: criteria provided, single submitter (1 of 4 stars). 2 submissions from 2 submitters: Uncertain significance (1). 1 of the submissions does not count toward it. Last evaluated 2025-05-13.

Conditions:
Neurodevelopmental disorder with microcephaly and movement abnormalities (NEDMIM). Identifiers: MedGen C5830624, MONDO:0957531, OMIM 620445.

Allele frequency attached by ClinVar (database versions not stated): TOPMed below 0.00001; gnomAD 0.00001; ExAC 0.00002; gnomAD exomes 0.00009.
gnomAD v4.1: 126 of 1,613,882 alleles (0.0078%); highest among the groups gnomAD compares: Non-Finnish European, 0.011%; no homozygotes.

Submissions (2):

GeneDx
Classification: Uncertain significance. Last evaluated: 2025-05-13. Review status: criteria provided, single submitter. Criteria: GeneDx Variant Classification Process June 2021. Collection method: clinical testing. Allele origin: germline. Affected: yes.
Comment: Reported with a second TTI1 variant on the opposite allele (in trans) in a proband with severe developmental delay, intellectual disability, abnormal brain MRI, movement disorder, and dysmorphic features (PMID: 36724785); In silico analysis supports that this missense variant has a deleterious effect on protein structure/function; This variant is associated with the following publications: (PMID: 36724785)

OMIM
Classification: Pathogenic for NEURODEVELOPMENTAL DISORDER WITH MICROCEPHALY AND MOVEMENT ABNORMALITIES. Last evaluated: 2023-07-21. Review status: no assertion criteria provided. Collection method: literature only. Allele origin: germline. Not counted in ClinVar's aggregate classification.

Literature cited by the submitters: PubMed 36724785 (cited by OMIM).

NM_001303457.2(TTI1):c.835T>G (p.Trp279Gly)

Gene: TTI1 (TELO2 interacting protein 1; minus strand). Cytogenetic location: 20q11.23.
Variant type: single nucleotide variant.
Coding change: c.835T>G on transcript NM_001303457.2 (MANE Select); coding-DNA position 835, T replaced by G.
Protein change: p.Trp279Gly; replaces tryptophan 279 with glycine.
Molecular consequence: missense variant.
Genome position (GRCh38, 1-based): chr20:38,012,982, A>C on the plus strand (T>G on the coding strand, the complement: TTI1 is on the minus strand). VCF-style: chr20-38012982-A-C. GRCh37 (hg19) VCF-style: chr20-36641384-A-C.
Other names: c.835T>G, p.Trp279Gly (NM_014657.3); c.835T>G (NM_014657.2); short protein forms W279G.
Identifiers: ClinVar variation 2573168 (VCV002573168.2), dbSNP rs764382981, ClinGen allele CA9849573.